The following is an entry in ClinVar:

ClinVar aggregate classification (germline): Uncertain significance. Review status: criteria provided, multiple submitters, no conflicts (2 of 4 stars). 5 submissions from 5 submitters: Uncertain significance (5). Last evaluated 2026-06-11.

Conditions:
Inborn genetic diseases. Identifiers: MedGen C0950123, MeSH D030342.
Nephronophthisis 15 (NPHP15). Identifiers: Orphanet 3156, MedGen C3541853, MONDO:0013917, OMIM 614845.
CEP164-related disorder. Also called: CEP164-related condition.

Allele frequency attached by ClinVar (database versions not stated): gnomAD exomes 0.00001 and 0.00004; ExAC 0.00004; gnomAD 0.00009 and 0.00011; TOPMed 0.00012; 1000 Genomes Project 0.00060; 1000 Genomes Project 30x 0.00078.
gnomAD v4.1: 33 of 1,613,950 alleles (0.002%); highest among the groups gnomAD compares: African/African-American, 0.024%; no homozygotes.

Submissions (5):

PreventionGenetics, part of Exact Sciences
Classification: Uncertain significance for CEP164-related condition. Last evaluated: 2026-06-11. Review status: criteria provided, single submitter. Criteria: ACMG Guidelines, 2015. Collection method: clinical testing. Allele origin: germline.
Comment: The CEP164 c.4025C>T variant is predicted to result in the amino acid substitution p.Pro1342Leu. To our knowledge, this variant has not been reported in the literature. This variant is reported in 0.028% of alleles in individuals of African descent in gnomAD. At this time, the clinical significance of this variant is uncertain due to the absence of conclusive functional and genetic evidence.

Ambry Genetics
Classification: Uncertain significance for Inborn genetic diseases. Last evaluated: 2025-12-16. Review status: criteria provided, single submitter. Criteria: Ambry Variant Classification Scheme 2023. Collection method: clinical testing. Allele origin: germline.

Fulgent Genetics
Classification: Uncertain significance for Nephronophthisis 15. Last evaluated: 2023-12-29. Review status: criteria provided, single submitter. Criteria: ACMG Guidelines, 2015. Collection method: clinical testing. Allele origin: germline.

Labcorp Genetics (formerly Invitae), Labcorp
Classification: Uncertain significance for Nephronophthisis 15. Last evaluated: 2022-11-01. Review status: criteria provided, single submitter. Criteria: Invitae Variant Classification Sherloc (09022015). Collection method: clinical testing. Allele origin: germline.
Comment: This sequence change replaces proline, which is neutral and non-polar, with leucine, which is neutral and non-polar, at codon 1342 of the CEP164 protein (p.Pro1342Leu). This variant is present in population databases (rs531161184, gnomAD 0.03%). This variant has not been reported in the literature in individuals affected with CEP164-related conditions. ClinVar contains an entry for this variant (Variation ID: 848910). Advanced modeling of protein sequence and biophysical properties (such as structural, functional, and spatial information, amino acid conservation, physicochemical variation, residue mobility, and thermodynamic stability) performed at Invitae indicates that this missense variant is not expected to disrupt CEP164 protein function. In summary, the available evidence is currently insufficient to determine the role of this variant in disease. Therefore, it has been classified as a Variant of Uncertain Significance.

Blueprint Genetics
Classification: Uncertain significance. Last evaluated: 2021-01-19. Review status: criteria provided, single submitter. Criteria: ACMG Guidelines, 2015. Collection method: clinical testing. Allele origin: germline.

NM_014956.5(CEP164):c.4025C>T (p.Pro1342Leu)

Gene: CEP164 (centrosomal protein 164; plus strand). Cytogenetic location: 11q23.3.
Variant type: single nucleotide variant.
Coding change: c.4025C>T on transcript NM_014956.5 (MANE Select); coding-DNA position 4025, C replaced by T.
Protein change: p.Pro1342Leu; replaces proline 1342 with leucine.
Molecular consequence: missense variant.
Genome position (GRCh38, 1-based): chr11:117,409,894, C>T. VCF-style: chr11-117409894-C-T. GRCh37 (hg19) VCF-style: chr11-117280610-C-T.
Other names: c.4010C>T, p.Pro1337Leu (NM_001271933.2); short protein forms P1337L, P1342L.
Identifiers: ClinVar variation 848910 (VCV000848910.11), dbSNP rs531161184, ClinGen allele CA6295650.